The following is an entry in ClinVar:

NC_000002.11:g.(?_48010373)_(48033999_?)del

Gene: MSH6 (mutS homolog 6; plus strand). Cytogenetic location: 2p16.3.
Variant type: Deletion.
Identifiers: ClinVar variation 3247069 (VCV003247069.1).

ClinVar aggregate classification (germline): Pathogenic (1 of 4 stars; one submission).

Conditions:
Hereditary nonpolyposis colorectal neoplasms. Identifiers: MedGen C0009405, MeSH D003123.

Submission:

Labcorp Genetics (formerly Invitae), Labcorp
Classification: Pathogenic for Hereditary nonpolyposis colorectal neoplasms. Last evaluated: 2023-12-29. Review status: criteria provided, single submitter. Criteria: Invitae Variant Classification Sherloc (09022015). Collection method: clinical testing. Allele origin: unknown.
Comment: A gross deletion of the genomic region encompassing the full coding sequence of the MSH6 gene has been identified. Loss-of-function variants in MSH6 are known to be pathogenic (PMID: 18269114, 24362816). The boundaries of this event are unknown as they extend beyond the assayed region for this gene and therefore may encompass additional genes. A similar copy number variant has been observed in individual(s) with clinical features of Lynch syndrome (PMID: 24323032, 28135145). For these reasons, this variant has been classified as Pathogenic.

Literature cited by the submitters: PubMed 18269114; PubMed 24362816; PubMed 24323032; PubMed 28135145.